The following is an entry in ClinVar:

ClinVar aggregate classification (germline): Likely benign (1 of 4 stars; one submission).

Allele frequency attached by ClinVar (database versions not stated): gnomAD exomes below 0.00001.
gnomAD v4.1: 2 of 1,614,256 alleles (0.00012%); highest among the groups gnomAD compares: Non-Finnish European, 0.00017%; no homozygotes.

Submission:

GeneDx
Classification: Likely benign. Last evaluated: 2017-06-06. Review status: criteria provided, single submitter. Criteria: GeneDx Variant Classification (06012015). Collection method: clinical testing. Allele origin: germline. Affected: yes.
Comment: This variant is considered likely benign or benign based on one or more of the following criteria: it is a conservative change, it occurs at a poorly conserved position in the protein, it is predicted to be benign by multiple in silico algorithms, and/or has population frequency not consistent with disease.

NM_014049.5(ACAD9):c.1059T>G (p.Ala353=)

Gene: ACAD9 (acyl-CoA dehydrogenase family member 9; plus strand). Cytogenetic location: 3q21.3.
Variant type: single nucleotide variant.
Coding change: c.1059T>G on transcript NM_014049.5 (MANE Select); coding-DNA position 1059, T replaced by G.
Protein change: p.Ala353=; no amino-acid change (alanine 353 retained).
Molecular consequence: synonymous variant. On other transcripts: non-coding transcript variant (1).
Genome position (GRCh38, 1-based): chr3:128,904,415, T>G. VCF-style: chr3-128904415-T-G. GRCh37 (hg19) VCF-style: chr3-128623258-T-G.
Identifiers: ClinVar variation 509831 (VCV000509831.1), dbSNP rs1553731808, ClinGen allele CA435591862.